The following is an entry in ClinVar:

ClinVar aggregate classification (germline): Uncertain significance (1 of 4 stars; one submission).

Submission:

Greenwood Genetic Center Diagnostic Laboratories, Greenwood Genetic Center
Classification: Uncertain significance. Last evaluated: 2025-11-11. Review status: criteria provided, single submitter. Criteria: ACMG Guidelines, 2015. Collection method: clinical testing. Allele origin: germline. Affected: yes.
Comment: Gene of Uncertain Significance

NM_001308142.2(MRTFB):c.498T>C (p.Val166=)

Gene: MRTFB (myocardin related transcription factor B; plus strand). Cytogenetic location: 16p13.12.
Variant type: single nucleotide variant.
Coding change: c.498T>C on transcript NM_001308142.2 (MANE Select); coding-DNA position 498, T replaced by C.
Protein change: p.Val166=; no amino-acid change (valine 166 retained).
Molecular consequence: synonymous variant.
Genome position (GRCh38, 1-based): chr16:14,217,271, T>C. VCF-style: chr16-14217271-T-C. GRCh37 (hg19) VCF-style: chr16-14311128-T-C.
Other names: c.465T>C, p.Val155= (NM_001365411.2, NM_001365415.2); c.498T>C, p.Val166= (NM_001365412.2, NM_014048.4); c.285T>C, p.Val95= (NM_001365413.2, NM_001365414.2, NM_001365416.2).
Identifiers: ClinVar variation 4845454 (VCV004845454.1).